The following is an entry in ClinVar:

ClinVar aggregate classification (germline): Likely pathogenic (1 of 4 stars; one submission).

Conditions:
Inborn genetic diseases. Identifiers: MedGen C0950123, MeSH D030342.

Submission:

Ambry Genetics
Classification: Likely pathogenic for Inborn genetic diseases. Last evaluated: 2026-03-04. Review status: criteria provided, single submitter. Criteria: Ambry Variant Classification Scheme 2023. Collection method: clinical testing. Allele origin: germline.
Comment: The c.3605_3607delGTG (p.G1202del) alteration is located in exon 23 (coding exon 23) of the CLTC gene. This alteration consists of an in-frame deletion of 3 nucleotides between nucleotide positions c.3605 and c.3607, resulting in the deletion of 1 residue. This variant was not reported in population-based cohorts in the Genome Aggregation Database (gnomAD). This amino acid position is highly conserved in available vertebrate species. This variant is predicted to be deleterious by in silico analysis (Choi, 2012). Based on the available evidence, this alteration is classified as likely pathogenic.

NM_004859.4(CLTC):c.3605_3607del (p.Gly1202del)

Gene: CLTC (clathrin heavy chain; plus strand). Cytogenetic location: 17q23.1.
Variant type: Deletion.
Coding change: c.3605_3607del on transcript NM_004859.4 (MANE Select); coding-DNA positions 3605 to 3607, 3 bases deleted (GTG; older notation c.3605_3607delGTG).
Protein change: p.Gly1202del; deletes glycine 1202.
Genome position (GRCh38, 1-based): chr17:59,682,633-59,682,635, GTG deleted; deleting any 3 consecutive bases within chr17:59,682,631-59,682,635 gives the same sequence; the c. name uses the placement nearest the transcript's 3' end. VCF-style (leftmost placement, unchanged base first): chr17-59682630-TTGG-T. GRCh37 (hg19) VCF-style: chr17-57759991-TTGG-T.
Other names: c.3617_3619del, p.Gly1206del (NM_001288653.2); short protein forms G1202del, G1206del.
Identifiers: ClinVar variation 4840013 (VCV004840013.1).